The following is an entry in ClinVar:

ClinVar aggregate classification (germline): Uncertain significance. Review status: criteria provided, multiple submitters, no conflicts (2 of 4 stars). 2 submissions from 2 submitters: Uncertain significance (2). Last evaluated 2024-01-09.

Conditions:
Nephronophthisis. Also called: Juvenile Nephronophthisis. Identifiers: Orphanet 655, MedGen C0687120, MONDO:0019005, HP:0000090.

Allele frequency attached by ClinVar (database versions not stated): gnomAD 0.00001; gnomAD exomes 0.00002 and 0.00003; TOPMed 0.00003; ExAC 0.00006.
gnomAD v4.1: 32 of 1,609,360 alleles (0.002%); highest among the groups gnomAD compares: East Asian, 0.031%; no homozygotes.

Submissions (2):

Labcorp Genetics (formerly Invitae), Labcorp
Classification: Uncertain significance for Nephronophthisis. Last evaluated: 2024-01-09. Review status: criteria provided, single submitter. Criteria: Invitae Variant Classification Sherloc (09022015). Collection method: clinical testing. Allele origin: germline.
Comment: This sequence change replaces arginine, which is basic and polar, with glutamine, which is neutral and polar, at codon 68 of the NPHP4 protein (p.Arg68Gln). This variant is present in population databases (rs761188193, gnomAD 0.05%). This variant has not been reported in the literature in individuals affected with NPHP4-related conditions. ClinVar contains an entry for this variant (Variation ID: 597181). Advanced modeling of protein sequence and biophysical properties (such as structural, functional, and spatial information, amino acid conservation, physicochemical variation, residue mobility, and thermodynamic stability) performed at Invitae indicates that this missense variant is not expected to disrupt NPHP4 protein function with a negative predictive value of 80%. In summary, the available evidence is currently insufficient to determine the role of this variant in disease. Therefore, it has been classified as a Variant of Uncertain Significance.

Eurofins Ntd Llc (ga)
Classification: Uncertain significance. Last evaluated: 2018-05-10. Review status: criteria provided, single submitter. Criteria: EGL ClinVar v180209 classification definitions. Collection method: clinical testing. Allele origin: germline. Observed: 1 variant allele, 1 heterozygote.

NM_015102.5(NPHP4):c.203G>A (p.Arg68Gln)

Gene: NPHP4 (nephrocystin 4; minus strand). Cytogenetic location: 1p36.31.
Variant type: single nucleotide variant.
Coding change: c.203G>A on transcript NM_015102.5 (MANE Select); coding-DNA position 203, G replaced by A.
Protein change: p.Arg68Gln; replaces arginine 68 with glutamine.
Molecular consequence: missense variant. On other transcripts: 5 prime UTR variant (1), non-coding transcript variant (1), intron variant (1).
Genome position (GRCh38, 1-based): chr1:5,978,346, C>T on the plus strand (G>A on the coding strand, the complement: NPHP4 is on the minus strand). VCF-style: chr1-5978346-C-T. GRCh37 (hg19) VCF-style: chr1-6038406-C-T.
Other names: c.-1027G>A (NM_001291593.2); c.-1087-9087G>A (NM_001291594.2); short protein forms R68Q.
Identifiers: ClinVar variation 597181 (VCV000597181.12), dbSNP rs761188193, ClinGen allele CA554907.